The following is an entry in ClinVar:

ClinVar aggregate classification (germline): Pathogenic. Review status: criteria provided, multiple submitters, no conflicts (2 of 4 stars). 2 submissions from 2 submitters: Pathogenic (2). Last evaluated 2026-06-12.

Conditions:
TCF4-related disorder. Also called: TCF4-related condition.

Submissions (2):

Greenwood Genetic Center Diagnostic Laboratories, Greenwood Genetic Center
Classification: Pathogenic for TCF4-related disorder. Last evaluated: 2026-06-12. Review status: criteria provided, single submitter. Criteria: ACMG Guidelines, 2015. Collection method: clinical testing. Allele origin: germline. Affected: yes.
Comment: PVS1, PS4_Moderate, PM2, PM6_Strong

GeneDx
Classification: Pathogenic. Last evaluated: 2025-04-22. Review status: criteria provided, single submitter. Criteria: GeneDx Variant Classification Process June 2021. Collection method: clinical testing. Allele origin: germline. Affected: yes.
Comment: De novo variant with confirmed parentage in a patient in published literature from a cohort of individuals with developmental disorders; detailed clinical information was not provided (PMID: 33057194); Canonical splice site variant predicted to result in a null allele in a gene for which loss of function is a known mechanism of disease; Not observed at significant frequency in large population cohorts (gnomAD); This variant is associated with the following publications: (PMID: 35982159, 33057194)

NM_001083962.2(TCF4):c.1069+1G>A

Gene: TCF4 (transcription factor 4; minus strand). Cytogenetic location: 18q21.2.
Variant type: single nucleotide variant.
Coding change: c.1069+1G>A on transcript NM_001083962.2 (MANE Select); the canonical splice donor site of the intron after coding-DNA position 1069, G replaced by A.
Molecular consequence: splice donor variant. On other transcripts: missense variant (1).
Genome position (GRCh38, 1-based): chr18:55,259,948, C>T on the plus strand (G>A on the coding strand, the complement: TCF4 is on the minus strand). VCF-style: chr18-55259948-C-T. GRCh37 (hg19) VCF-style: chr18-52927179-C-T.
Other names: c.998G>A, p.Gly333Asp (NM_001369586.1); c.1375+1G>A (NM_001243226.3); c.994+1G>A (NM_001369584.1, NM_001369576.1, NM_001369585.1 and 3 more transcripts); c.997+1G>A (NM_001369577.1, NM_001369582.1, NM_001243227.2 and 8 more transcripts); c.1069+1G>A (NM_001369571.1, NM_001369567.1, NM_001369572.1 and 4 more transcripts); c.1087+1G>A (NM_001243228.2); c.1063+1G>A (NM_001243230.2); c.1066+1G>A (NM_001369569.1, NM_001369573.1, NM_001369570.1); and 5 more; short protein forms G333D.
Identifiers: ClinVar variation 450041 (VCV000450041.6), dbSNP rs797045072, ClinGen allele CA402534727.
Genomic context (GRCh38, chr18:55,259,948, plus strand): 5'-ACAAGGGGGGAATCATTCTTATAAACTGTTATATGATGAAATGGGATTTGAAATACACTA[C>T]CTGAGAGAGATGGAGGAGAGCCAACAGGAGTTGAAGGGTTTGATGAAAAGCTGTTGTTAG-3'